The following is an entry in ClinVar:

ClinVar aggregate classification (germline): Uncertain significance (1 of 4 stars; one submission).

Conditions:
Autosomal recessive limb-girdle muscular dystrophy type 2P. Also called: MUSCULAR DYSTROPHY-DYSTROGLYCANOPATHY, LIMB-GIRDLE, DAG1-RELATED; Limb-Girdle Muscular Dystrophy Type 9C; MUSCULAR DYSTROPHY, LIMB-GIRDLE, TYPE 2P. Identifiers: Orphanet 280333, MedGen C4511963, MONDO:0013440, OMIM 613818.
Muscular dystrophy-dystroglycanopathy (congenital with brain and eye anomalies), type A9. Also called: WALKER-WARBURG SYNDROME OR MUSCLE-EYE BRAIN DISEASE, DAG1-RELATED; Muscular dystrophy-dystroglycanopathy (congenital with brain and eye anomalies), type a, 9. Identifiers: Orphanet 370997, Orphanet 899, MedGen C4225291, MONDO:0014683, OMIM 616538.

Submission:

Labcorp Genetics (formerly Invitae), Labcorp
Classification: Uncertain significance for Autosomal recessive limb-girdle muscular dystrophy type 2P; Muscular dystrophy-dystroglycanopathy (congenital with brain and eye anomalies), type A9. Last evaluated: 2022-07-19. Review status: criteria provided, single submitter. Criteria: Invitae Variant Classification Sherloc (09022015). Collection method: clinical testing. Allele origin: germline.
Comment: This variant, c.1492_1494del, results in the deletion of 1 amino acid(s) of the DAG1 protein (p.Glu498del), but otherwise preserves the integrity of the reading frame. This variant is not present in population databases (gnomAD no frequency). This variant has not been reported in the literature in individuals affected with DAG1-related conditions. ClinVar contains an entry for this variant (Variation ID: 539133). Experimental studies and prediction algorithms are not available or were not evaluated, and the functional significance of this variant is currently unknown. In summary, the available evidence is currently insufficient to determine the role of this variant in disease. Therefore, it has been classified as a Variant of Uncertain Significance.

NM_004393.6(DAG1):c.1492_1494del (p.Glu498del)

Gene: DAG1 (dystroglycan 1; plus strand). Cytogenetic location: 3p21.31.
Variant type: Deletion.
Coding change: c.1492_1494del on transcript NM_004393.6 (MANE Select); coding-DNA positions 1492 to 1494, 3 bases deleted (GAG; older notation c.1492_1494delGAG).
Protein change: p.Glu498del; deletes glutamic acid 498.
Molecular consequence: inframe deletion.
Genome position (GRCh38, 1-based): chr3:49,532,003-49,532,005, GAG deleted. VCF-style (leftmost placement, unchanged base first): chr3-49532002-AGAG-A. GRCh37 (hg19) VCF-style: chr3-49569435-AGAG-A.
Other names: c.1492_1494delGAG (NM_004393.5); c.1492_1494del, p.Glu498del (NM_001177643.3, NM_001177644.3, NM_001177639.3 and 9 more transcripts); short protein forms E498del.
Identifiers: ClinVar variation 539133 (VCV000539133.7), dbSNP rs1553653093, ClinGen allele CA658796321.